The following is an entry in ClinVar:

ClinVar aggregate classification (germline): Uncertain significance (1 of 4 stars; one submission).

Allele frequency attached by ClinVar (database versions not stated): gnomAD 0.00001; gnomAD exomes 0.00001; TOPMed 0.00002; ExAC 0.00003; ESP Exome Variant Server 0.00008.
gnomAD v4.1: 19 of 1,613,278 alleles (0.0012%); highest among the groups gnomAD compares: African/African-American, 0.0027%; no homozygotes.

Submission:

Women's Health and Genetics/Laboratory Corporation of America, LabCorp
Classification: Uncertain significance. Last evaluated: 2023-07-20. Review status: criteria provided, single submitter. Criteria: LabCorp Variant Classification Summary - May 2015. Collection method: clinical testing. Allele origin: germline.
Comment: Variant summary: CAMK2A c.273-6C>T alters a conserved nucleotide located close to a canonical splice site and therefore could affect mRNA splicing, leading to a significantly altered protein sequence. 4/4 computational tools predict no significant impact on normal splicing. However, these predictions have yet to be confirmed by functional studies. The variant allele was found at a frequency of 1.6e-05 in 248630 control chromosomes (gnomAD). The available data on variant occurrences in the general population are insufficient to allow any conclusion about variant significance. To our knowledge, no occurrence of c.273-6C>T in individuals affected with Intellectual Disability, Autosomal Dominant 53 and no experimental evidence demonstrating its impact on protein function have been reported. No submitters have cited clinical-significance assessments for this variant to ClinVar after 2014. Based on the evidence outlined above, the variant was classified as uncertain significance.

NM_015981.4(CAMK2A):c.273-6C>T

Gene: CAMK2A (calcium/calmodulin dependent protein kinase II alpha; minus strand). Cytogenetic location: 5q32.
Variant type: single nucleotide variant.
Coding change: c.273-6C>T on transcript NM_015981.4 (MANE Select); 6 bases into the intron before coding-DNA position 273, C replaced by T.
Molecular consequence: intron variant.
Genome position (GRCh38, 1-based): chr5:150,256,837, G>A on the plus strand (C>T on the coding strand, the complement: CAMK2A is on the minus strand). VCF-style: chr5-150256837-G-A. GRCh37 (hg19) VCF-style: chr5-149636400-G-A.
Other names: c.273-6C>T (NM_001363990.1, NM_001363989.1, NM_171825.3 and 1 more transcripts).
Identifiers: ClinVar variation 2577122 (VCV002577122.1), dbSNP rs377385079, ClinGen allele CA3509901.
Genomic context (GRCh38, chr5:150,256,837, plus strand): 5'-CTCACTGTAATACTCCCGGGCCACGATATCTTCAAACAGTTCCCCACCAGTGACCCTGGG[G>A]AGACAGGCATGGAATCACCCTCTAATAGAGGCGACAGGTGCTGCCTCATCTGGAGGAGTC-3'